The following is an entry in ClinVar:

NM_002340.6(LSS):c.1228T>C (p.Cys410Arg)

Gene: LSS (lanosterol synthase; minus strand). Cytogenetic location: 21q22.3.
Variant type: single nucleotide variant.
Coding change: c.1228T>C on transcript NM_002340.6 (MANE Select); coding-DNA position 1228, T replaced by C.
Protein change: p.Cys410Arg; replaces cysteine 410 with arginine.
Molecular consequence: missense variant.
Genome position (GRCh38, 1-based): chr21:46,209,592, A>G on the plus strand (T>C on the coding strand, the complement: LSS is on the minus strand). VCF-style: chr21-46209592-A-G. GRCh37 (hg19) VCF-style: chr21-47629506-A-G.
Other names: c.1228T>C, p.Cys410Arg (NM_001001438.3); c.1195T>C, p.Cys399Arg (NM_001145436.2); c.988T>C, p.Cys330Arg (NM_001145437.2); short protein forms C330R, C399R, C410R.
Identifiers: ClinVar variation 1028406 (VCV001028406.1), dbSNP rs2080101374, ClinGen allele CA410515087.

ClinVar aggregate classification (germline): Uncertain significance (1 of 4 stars; one submission).

Conditions:
Cataract 44 (CTRCT44). Also called: CATARACT 44 AND HYPOTRICHOSIS. Identifiers: Orphanet 91492, Orphanet 98994, MedGen C4225300, MONDO:0014673, OMIM 616509.

Submission:

Baylor Genetics
Classification: Uncertain significance for Cataract 44. Last evaluated: 2020-07-16. Review status: criteria provided, single submitter. Criteria: ACMG Guidelines, 2015. Collection method: clinical testing. Allele origin: unknown. Affected: yes.
Comment: This variant was determined to be of uncertain significance according to ACMG Guidelines, 2015 [PMID:25741868].